The following is an entry in ClinVar:

ClinVar aggregate classification (germline): Benign. Review status: criteria provided, multiple submitters, no conflicts (2 of 4 stars). 6 submissions from 6 submitters: Benign (6). Last evaluated 2026-02-04.

Allele frequency attached by ClinVar (database versions not stated): 1000 Genomes Project 0.05232; 1000 Genomes Project 30x 0.05294; TOPMed 0.06719; gnomAD 0.07537 and 0.07620; ESP Exome Variant Server 0.07904; gnomAD exomes 0.08656; ExAC 0.08980.
gnomAD v4.1: 155,787 of 1,609,046 alleles (9.7%); highest among the groups gnomAD compares: Middle Eastern, 13%; 8,262 homozygotes.

Submissions (6):

Labcorp Genetics (formerly Invitae), Labcorp
Classification: Benign. Last evaluated: 2026-02-04. Review status: criteria provided, single submitter. Criteria: Invitae Variant Classification Sherloc (09022015). Collection method: clinical testing. Allele origin: germline.

Mayo Clinic Laboratories, Mayo Clinic
Classification: Benign. Last evaluated: 2019-02-27. Review status: criteria provided, single submitter. Criteria: ACMG Guidelines, 2015. Collection method: clinical testing. Allele origin: germline. Observed: 120 variant alleles.

GeneDx
Classification: Benign. Last evaluated: 2016-01-30. Review status: criteria provided, single submitter. Criteria: GeneDx Variant Classification (06012015). Collection method: clinical testing. Allele origin: germline. Affected: yes.
Comment: This variant is considered likely benign or benign based on one or more of the following criteria: it is a conservative change, it occurs at a poorly conserved position in the protein, it is predicted to be benign by multiple in silico algorithms, and/or has population frequency not consistent with disease.

Genetic Services Laboratory, University of Chicago
Classification: Benign for AllHighlyPenetrant. Last evaluated: 2013-08-15. Review status: criteria provided, single submitter. Criteria: ACMG Guidelines, 2007. Collection method: clinical testing. Allele origin: germline. Inheritance: Autosomal recessive inheritance.

Breakthrough Genomics
Classification: Benign. Review status: criteria provided, single submitter. Criteria: ACMG Guidelines, 2015. Collection method: not provided. Allele origin: germline. Inheritance: Autosomal recessive inheritance. Affected: yes.

PreventionGenetics, part of Exact Sciences
Classification: Benign. Review status: criteria provided, single submitter. Criteria: ACMG Guidelines, 2015. Collection method: clinical testing. Allele origin: germline.

NM_014254.3(RXYLT1):c.67G>A (p.Ala23Thr)

Gene: RXYLT1 (ribitol xylosyltransferase 1; plus strand). Cytogenetic location: 12q14.2.
Variant type: single nucleotide variant.
Coding change: c.67G>A on transcript NM_014254.3 (MANE Select); coding-DNA position 67, G replaced by A.
Protein change: p.Ala23Thr; replaces alanine 23 with threonine.
Molecular consequence: missense variant.
Genome position (GRCh38, 1-based): chr12:63,780,027, G>A. VCF-style: chr12-63780027-G-A. GRCh37 (hg19) VCF-style: chr12-64173807-G-A.
Other names: p.Ala23Thr; short protein forms A23T.
Identifiers: ClinVar variation 130597 (VCV000130597.17), dbSNP rs61935924, ClinGen allele CA155733.
Genomic context (GRCh38, chr12:63,780,027, plus strand): 5'-CTGACGCGGAAGCGGCTCTGCTCGTTTCTTATCGCCCTGTACTGCCTATTCTCCCTCTAC[G>A]CTGCCTACCACGTCTTCTTCGGGCGCCGCCGCCAGGCGCCGGCCGGGTCCCCGCGGGGCC-3'
Protein context (NP_055069.1, residues 13-33): IALYCLFSLY[Ala23Thr]AYHVFFGRRR